The following is an entry in ClinVar:

NM_004415.4(DSP):c.7456G>A (p.Gly2486Ser)

Gene: DSP (desmoplakin; plus strand). Cytogenetic location: 6p24.3.
Variant type: single nucleotide variant.
Coding change: c.7456G>A on transcript NM_004415.4 (MANE Select); coding-DNA position 7456, G replaced by A.
Protein change: p.Gly2486Ser; replaces glycine 2486 with serine.
Molecular consequence: missense variant.
Genome position (GRCh38, 1-based): chr6:7,584,718, G>A. VCF-style: chr6-7584718-G-A. GRCh37 (hg19) VCF-style: chr6-7584951-G-A.
Other names: c.5659G>A, p.Gly1887Ser (NM_001008844.3); c.6127G>A, p.Gly2043Ser (NM_001319034.2); short protein forms G1887S, G2043S, G2486S.
Identifiers: ClinVar variation 2541899 (VCV002541899.6), dbSNP rs1296050454, ClinGen allele CA362693049.

ClinVar aggregate classification (germline): Uncertain significance. Review status: criteria provided, multiple submitters, no conflicts (2 of 4 stars). 3 submissions from 3 submitters: Uncertain significance (3). Last evaluated 2025-07-17.

Conditions:
Arrhythmogenic right ventricular dysplasia 8 (ARVD8). Also called: ARRHYTHMOGENIC RIGHT VENTRICULAR DYSPLASIA, FAMILIAL, 8; Arrhythmogenic Right Ventricular Dysplasia/Cardiomyopathy 8; ARRHYTHMOGENIC RIGHT VENTRICULAR CARDIOMYOPATHY 8. Identifiers: MedGen C1843896, MONDO:0011831, OMIM 607450.
Arrhythmogenic cardiomyopathy with wooly hair and keratoderma. Also called: PALMOPLANTAR KERATODERMA WITH LEFT VENTRICULAR CARDIOMYOPATHY AND WOOLLY HAIR; Carvajal syndrome; Dilated cardiomyopathy with woolly hair and keratoderma; Arrhythmogenic cardiomyopathy with woolly hair and keratoderma. Identifiers: Orphanet 65282, MedGen C1854063, MONDO:0011581, OMIM 605676.
Cardiomyopathy (CMYO). Also called: Cardiomyopathies. Identifiers: Orphanet 167848, MedGen C0878544, MONDO:0004994, HP:0001638. Inheritance: Various modes of inheritance.
Cardiovascular phenotype. Identifiers: MedGen CN230736.

Allele frequency attached by ClinVar (database versions not stated): gnomAD 0.00001; TOPMed 0.00001.
gnomAD v4.1: 1 of 1,614,018 alleles (0.000062%); highest among the groups gnomAD compares: African/African-American, 0.0013%; no homozygotes.

Submissions (3):

Color Diagnostics, LLC DBA Color Health
Classification: Uncertain significance for Cardiomyopathy. Last evaluated: 2025-07-17. Review status: criteria provided, single submitter. Criteria: ACMG Guidelines, 2015. Collection method: clinical testing. Allele origin: germline.
Comment: This missense variant replaces glycine with serine at codon 2486 of the DSP protein. Computational prediction suggests that this variant may have deleterious impact on protein structure and function. To our knowledge, functional studies have not been reported for this variant. This variant has not been reported in individuals affected with DSP-related disorders in the literature. This variant has not been identified in the general population by the Genome Aggregation Database (gnomAD). The available evidence is insufficient to determine the role of this variant in disease conclusively. Therefore, this variant is classified as a Variant of Uncertain Significance.

Labcorp Genetics (formerly Invitae), Labcorp
Classification: Uncertain significance for Arrhythmogenic cardiomyopathy with wooly hair and keratoderma; Arrhythmogenic right ventricular dysplasia 8. Last evaluated: 2023-08-09. Review status: criteria provided, single submitter. Criteria: Invitae Variant Classification Sherloc (09022015). Collection method: clinical testing. Allele origin: germline.
Comment: ClinVar contains an entry for this variant (Variation ID: 2541899). In summary, the available evidence is currently insufficient to determine the role of this variant in disease. Therefore, it has been classified as a Variant of Uncertain Significance. An algorithm developed to predict the effect of missense changes on protein structure and function (PolyPhen-2) suggests that this variant is likely to be disruptive. This variant has not been reported in the literature in individuals affected with DSP-related conditions. This variant is not present in population databases (gnomAD no frequency). This sequence change replaces glycine, which is neutral and non-polar, with serine, which is neutral and polar, at codon 2486 of the DSP protein (p.Gly2486Ser).

Ambry Genetics
Classification: Uncertain significance for Cardiovascular phenotype. Last evaluated: 2023-06-06. Review status: criteria provided, single submitter. Criteria: Ambry Variant Classification Scheme 2023. Collection method: clinical testing. Allele origin: germline.